The following is an entry in ClinVar:

NM_000059.4(BRCA2):c.9710G>A (p.Arg3237Lys)

Gene: BRCA2 (BRCA2 DNA repair associated; plus strand). Cytogenetic location: 13q13.1.
Variant type: single nucleotide variant.
Coding change: c.9710G>A on transcript NM_000059.4 (MANE Select); coding-DNA position 9710, G replaced by A.
Protein change: p.Arg3237Lys; replaces arginine 3237 with lysine.
Molecular consequence: missense variant.
Genome position (GRCh38, 1-based): chr13:32,398,223, G>A. VCF-style: chr13-32398223-G-A. GRCh37 (hg19) VCF-style: chr13-32972360-G-A.
Other names: p.R3237K:AGG>AAG; short protein forms R3237K.
Identifiers: ClinVar variation 182267 (VCV000182267.23), dbSNP rs730881575, ClinGen allele CA026277.

ClinVar aggregate classification (germline): Uncertain significance. Review status: criteria provided, multiple submitters, no conflicts (2 of 4 stars). 6 submissions from 6 submitters: Uncertain significance (6). Last evaluated 2026-01-11.

Conditions:
Hereditary cancer-predisposing syndrome. Also called: Tumor predisposition; Hereditary Cancer Syndrome; Hereditary neoplastic syndrome; Neoplastic Syndromes, Hereditary. Identifiers: Orphanet 140162, MedGen C0027672, MeSH D009386, MONDO:0015356.
Hereditary breast ovarian cancer syndrome. Also called: Breast and ovarian cancer; Hereditary breast and ovarian cancer syndrome; Hereditary breast and ovarian cancer; BRCA1- and BRCA2-Associated Hereditary Breast and Ovarian Cancer; Hereditary breast and ovarian cancer syndrome (HBOC); Hereditary breast and/or ovarian cancer syndrome. Identifiers: Orphanet 145, MedGen C0677776, MeSH D061325, MONDO:0003582. Disease mechanism: loss of function.
Breast-ovarian cancer, familial, susceptibility to, 2 (BROVCA2). Also called: BRCA2 Hereditary Breast and Ovarian Cancer. Identifiers: Orphanet 145, MedGen C2675520, MONDO:0012933, OMIM 612555. Disease mechanism: loss of function.

Submissions (6):

Labcorp Genetics (formerly Invitae), Labcorp
Classification: Uncertain significance for Hereditary breast ovarian cancer syndrome. Last evaluated: 2026-01-11. Review status: criteria provided, single submitter. Criteria: Invitae Variant Classification Sherloc (09022015). Collection method: clinical testing. Allele origin: germline.
Comment: This sequence change replaces arginine, which is basic and polar, with lysine, which is basic and polar, at codon 3237 of the BRCA2 protein (p.Arg3237Lys). This variant is not present in population databases (gnomAD no frequency). This variant has not been reported in the literature in individuals affected with BRCA2-related conditions. ClinVar contains an entry for this variant (Variation ID: 182267). Invitae Evidence Modeling of protein sequence and biophysical properties (such as structural, functional, and spatial information, amino acid conservation, physicochemical variation, residue mobility, and thermodynamic stability) indicates that this missense variant is not expected to disrupt BRCA2 protein function with a negative predictive value of 95%. In summary, the available evidence is currently insufficient to determine the role of this variant in disease. Therefore, it has been classified as a Variant of Uncertain Significance.

Ambry Genetics
Classification: Uncertain significance for Hereditary cancer-predisposing syndrome. Last evaluated: 2025-11-03. Review status: criteria provided, single submitter. Criteria: Ambry Variant Classification Scheme 2023. Collection method: clinical testing. Allele origin: germline.

All of Us Research Program, National Institutes of Health
Classification: Uncertain significance for Breast-ovarian cancer, familial, susceptibility to, 2. Last evaluated: 2023-10-06. Review status: criteria provided, single submitter. Criteria: ACMG Guidelines, 2015. Collection method: clinical testing. Allele origin: germline. Inheritance: Autosomal dominant inheritance. Observed: 1 variant allele, 1 heterozygote.
Comment: This missense variant replaces arginine with lysine at codon 3237 of the BRCA2 protein. Computational prediction suggests that this variant may not impact protein structure and function (internally defined REVEL score threshold <= 0.5, PMID: 27666373). To our knowledge, functional studies have not been reported for this variant. This variant has not been reported in individuals affected with BRCA2-related disorders in the literature. This variant has not been identified in the general population by the Genome Aggregation Database (gnomAD). The available evidence is insufficient to determine the role of this variant in disease conclusively. Therefore, this variant is classified as a Variant of Uncertain Significance.

This study involves interpretation of variants in research participants for the purpose of population health screening. Participant phenotype was not available at the time of variant classification. Additional details can be found in publication PMID: 35346344, PMCID: PMC8962531

Color Diagnostics, LLC DBA Color Health
Classification: Uncertain significance for Hereditary cancer-predisposing syndrome. Last evaluated: 2023-09-13. Review status: criteria provided, single submitter. Criteria: ACMG Guidelines, 2015. Collection method: clinical testing. Allele origin: germline.
Comment: This missense variant replaces arginine with lysine at codon 3237 of the BRCA2 protein. Computational prediction suggests that this variant may not impact protein structure and function (internally defined REVEL score threshold <= 0.5, PMID: 27666373). To our knowledge, functional studies have not been reported for this variant. This variant has not been reported in individuals affected with BRCA2-related disorders in the literature. This variant has not been identified in the general population by the Genome Aggregation Database (gnomAD). The available evidence is insufficient to determine the role of this variant in disease conclusively. Therefore, this variant is classified as a Variant of Uncertain Significance.

GeneDx
Classification: Uncertain significance. Last evaluated: 2023-07-28. Review status: criteria provided, single submitter. Criteria: GeneDx Variant Classification Process June 2021. Collection method: clinical testing. Allele origin: germline. Affected: yes.
Comment: Not observed at significant frequency in large population cohorts (gnomAD); In silico analysis supports that this missense variant does not alter protein structure/function; Also known as 9938G>A; Observed in an individual who underwent multi-gene panel testing based on unspecified personal and/or family history of cancer (Li et al., 2020); This variant is associated with the following publications: (PMID: 29884841, 31853058, 32377563)

Women's Health and Genetics/Laboratory Corporation of America, LabCorp
Classification: Uncertain significance. Last evaluated: 2018-12-24. Review status: criteria provided, single submitter. Criteria: LabCorp Variant Classification Summary - May 2015. Collection method: clinical testing. Allele origin: germline.
Comment: Variant summary: BRCA2 c.9710G>A (p.Arg3237Lys) results in a conservative amino acid change in the encoded protein sequence. Five of five in-silico tools predict a benign effect of the variant on protein function. The variant was absent in 245670 control chromosomes. The available data on variant occurrences in the general population are insufficient to allow any conclusion about variant significance. To our knowledge, no occurrence of c.9710G>A in individuals affected with Hereditary Breast and Ovarian Cancer and no experimental evidence demonstrating its impact on protein function have been reported. Two clinical diagnostic laboratories have submitted clinical-significance assessments for this variant to ClinVar after 2014 without evidence for independent evaluation. All laboratories classified the variant as uncertain significance. Based on the evidence outlined above, the variant was classified as uncertain significance.